The following is an entry in ClinVar:

NM_001013838.3(CARMIL2):c.4170C>T (p.Leu1390=)

Gene: CARMIL2 (capping protein regulator and myosin 1 linker 2; plus strand). Cytogenetic location: 16q22.1.
Variant type: single nucleotide variant.
Coding change: c.4170C>T on transcript NM_001013838.3 (MANE Select); coding-DNA position 4170, C replaced by T.
Protein change: p.Leu1390=; no amino-acid change (leucine 1390 retained).
Molecular consequence: synonymous variant.
Genome position (GRCh38, 1-based): chr16:67,657,291, C>T. VCF-style: chr16-67657291-C-T. GRCh37 (hg19) VCF-style: chr16-67691194-C-T.
Other names: c.3981C>T, p.Leu1327= (NM_001317026.3).
Identifiers: ClinVar variation 773873 (VCV000773873.14), dbSNP rs140398545, ClinGen allele CA8114279.

ClinVar aggregate classification (germline): Benign. Review status: criteria provided, multiple submitters, no conflicts (2 of 4 stars). 3 submissions from 3 submitters: Benign (2). 1 of the submissions does not count toward it. Last evaluated 2026-02-04.

Conditions:
CARMIL2-related disorder. Also called: CARMIL2-related condition.

Allele frequency attached by ClinVar (database versions not stated): gnomAD exomes 0.00230 and 0.00113; ExAC 0.00235; 1000 Genomes Project 30x 0.00625; 1000 Genomes Project 0.00699; ESP Exome Variant Server 0.00008; gnomAD 0.00093 and 0.00135; TOPMed 0.00144.
gnomAD v4.1: 1,922 of 1,613,808 alleles (0.12%); highest among the groups gnomAD compares: East Asian, 3.5%; 36 homozygotes.

Submissions (3):

Labcorp Genetics (formerly Invitae), Labcorp
Classification: Benign. Last evaluated: 2026-02-04. Review status: criteria provided, single submitter. Criteria: Invitae Variant Classification Sherloc (09022015). Collection method: clinical testing. Allele origin: germline.

Breakthrough Genomics
Classification: Benign. Review status: criteria provided, single submitter. Criteria: ACMG Guidelines, 2015. Collection method: not provided. Allele origin: germline. Inheritance: Autosomal recessive inheritance. Affected: yes.

PreventionGenetics, part of Exact Sciences
Classification: Benign for CARMIL2-related condition. Last evaluated: 2019-03-26. Review status: no assertion criteria provided. Collection method: clinical testing. Allele origin: germline. Not counted in ClinVar's aggregate classification.
Comment: This variant is classified as benign based on ACMG/AMP sequence variant interpretation guidelines (Richards et al. 2015 PMID: 25741868, with internal and published modifications).